The following is an entry in ClinVar:

NM_004168.4(SDHA):c.1733C>A (p.Thr578Asn)

Gene: SDHA (succinate dehydrogenase complex flavoprotein subunit A; plus strand). Cytogenetic location: 5p15.33.
Variant type: single nucleotide variant.
Coding change: c.1733C>A on transcript NM_004168.4 (MANE Select); coding-DNA position 1733, C replaced by A.
Protein change: p.Thr578Asn; replaces threonine 578 with asparagine.
Molecular consequence: missense variant. On other transcripts: intron variant (1).
Genome position (GRCh38, 1-based): chr5:251,407, C>A. VCF-style: chr5-251407-C-A. GRCh37 (hg19) VCF-style: chr5-251522-C-A.
Other names: c.1589C>A, p.Thr530Asn (NM_001294332.2); c.1552-2986C>A (NM_001330758.2); short protein forms T578N, T530N.
Identifiers: ClinVar variation 1468872 (VCV001468872.8), dbSNP rs1349207461, ClinGen allele CA359000170.

ClinVar aggregate classification (germline): Uncertain significance (1 of 4 stars; one submission).

Conditions:
Mitochondrial complex II deficiency, nuclear type 1. Also called: SUCCINATE CoQ REDUCTASE DEFICIENCY. Identifiers: Orphanet 3208, MedGen C5700310, MONDO:0100294, OMIM 252011.
Pheochromocytoma/paraganglioma syndrome 5. Also called: Paragangliomas 5; SDHA-Related Hereditary Paraganglioma-Pheochromocytoma Syndrome. Identifiers: Orphanet 29072, MedGen C3279992, MONDO:0013602, OMIM 614165.

Submission:

Labcorp Genetics (formerly Invitae), Labcorp
Classification: Uncertain significance for Pheochromocytoma/paraganglioma syndrome 5; Mitochondrial complex II deficiency, nuclear type 1. Last evaluated: 2025-04-21. Review status: criteria provided, single submitter. Criteria: Invitae Variant Classification Sherloc (09022015). Collection method: clinical testing. Allele origin: germline.
Comment: This sequence change replaces threonine, which is neutral and polar, with asparagine, which is neutral and polar, at codon 578 of the SDHA protein (p.Thr578Asn). This variant is not present in population databases (gnomAD no frequency). This variant has not been reported in the literature in individuals affected with SDHA-related conditions. ClinVar contains an entry for this variant (Variation ID: 1468872). Invitae Evidence Modeling of protein sequence and biophysical properties (such as structural, functional, and spatial information, amino acid conservation, physicochemical variation, residue mobility, and thermodynamic stability) has been performed for this missense variant. However, the output from this modeling did not meet the statistical confidence thresholds required to predict the impact of this variant on SDHA protein function. In summary, the available evidence is currently insufficient to determine the role of this variant in disease. Therefore, it has been classified as a Variant of Uncertain Significance.